The following is an entry in ClinVar:

NM_000059.4(BRCA2):c.3800A>T (p.Asp1267Val)

Gene: BRCA2 (BRCA2 DNA repair associated; plus strand). Cytogenetic location: 13q13.1.
Variant type: single nucleotide variant.
Coding change: c.3800A>T on transcript NM_000059.4 (MANE Select); coding-DNA position 3800, A replaced by T.
Protein change: p.Asp1267Val; replaces aspartic acid 1267 with valine.
Molecular consequence: missense variant. On other transcripts: non-coding transcript variant (1), intron variant (2).
Genome position (GRCh38, 1-based): chr13:32,338,155, A>T. VCF-style: chr13-32338155-A-T. GRCh37 (hg19) VCF-style: chr13-32912292-A-T.
Other names: c.3800A>T, p.Asp1267Val (NM_001406719.1, NM_001406720.1, NM_001432077.1); c.1909+4768A>T (NM_001406721.1); c.425-6403A>T (NM_001406722.1); short protein forms D1267V.
Identifiers: ClinVar variation 3636466 (VCV003636466.2).

ClinVar aggregate classification (germline): Uncertain significance (1 of 4 stars; one submission).

Conditions:
Hereditary breast ovarian cancer syndrome. Also called: Hereditary breast and ovarian cancer syndrome; Hereditary breast and ovarian cancer syndrome (HBOC); BRCA1- and BRCA2-Associated Hereditary Breast and Ovarian Cancer; Hereditary breast and ovarian cancer; Breast and ovarian cancer; Hereditary breast and/or ovarian cancer syndrome. Identifiers: Orphanet 145, MedGen C0677776, MeSH D061325, MONDO:0003582. Disease mechanism: loss of function.

Submission:

Labcorp Genetics (formerly Invitae), Labcorp
Classification: Uncertain significance for Hereditary breast ovarian cancer syndrome. Last evaluated: 2024-11-24. Review status: criteria provided, single submitter. Criteria: Invitae Variant Classification Sherloc (09022015). Collection method: clinical testing. Allele origin: germline.
Comment: This sequence change replaces aspartic acid, which is acidic and polar, with valine, which is neutral and non-polar, at codon 1267 of the BRCA2 protein (p.Asp1267Val). This variant is not present in population databases (gnomAD no frequency). This variant has not been reported in the literature in individuals affected with BRCA2-related conditions. Invitae Evidence Modeling of protein sequence and biophysical properties (such as structural, functional, and spatial information, amino acid conservation, physicochemical variation, residue mobility, and thermodynamic stability) indicates that this missense variant is not expected to disrupt BRCA2 protein function with a negative predictive value of 95%. In summary, the available evidence is currently insufficient to determine the role of this variant in disease. Therefore, it has been classified as a Variant of Uncertain Significance.